The following is an entry in ClinVar:

NM_001042492.3(NF1):c.5813-12A>C

Gene: NF1 (neurofibromin 1; plus strand). Cytogenetic location: 17q11.2.
Variant type: single nucleotide variant.
Coding change: c.5813-12A>C on transcript NM_001042492.3 (MANE Select); 12 bases into the intron before coding-DNA position 5813, A replaced by C.
Molecular consequence: intron variant.
Genome position (GRCh38, 1-based): chr17:31,334,826, A>C. VCF-style: chr17-31334826-A-C. GRCh37 (hg19) VCF-style: chr17-29661844-A-C.
Other names: c.5750-12A>C (NM_000267.4).
Identifiers: ClinVar variation 1609679 (VCV001609679.9), dbSNP rs768741646, ClinGen allele CA289384381.

ClinVar aggregate classification (germline): Likely benign. Review status: criteria provided, multiple submitters, no conflicts (2 of 4 stars). 2 submissions from 2 submitters: Likely benign (2). Last evaluated 2026-05-13.

Conditions:
Neurofibromatosis, type 1 (NF1). Also called: VON RECKLINGHAUSEN DISEASE; Neurofibromatosis, type I; NEUROFIBROMATOSIS, TYPE I, SOMATIC; Peripheral type neurofibromatosis. Identifiers: Orphanet 636, MedGen C0027831, MONDO:0018975, OMIM 162200. Disease mechanism: loss of function.

gnomAD v4.1: 3 of 1,604,600 alleles (0.00019%); highest among the groups gnomAD compares: Non-Finnish European, 0.00026%; no homozygotes.

Submissions (2):

Myriad Genetics, Inc.
Classification: Likely benign for Neurofibromatosis, type 1. Last evaluated: 2026-05-13. Review status: criteria provided, single submitter. Criteria: Myriad Autosomal Dominant, Autosomal Recessive and X-Linked Classification Criteria (2023). Collection method: clinical testing. Allele origin: unknown.
Comment: This variant is considered likely benign. This variant is intronic and is not expected to impact mRNA splicing.

Labcorp Genetics (formerly Invitae), Labcorp
Classification: Likely benign for Neurofibromatosis, type 1. Last evaluated: 2025-05-14. Review status: criteria provided, single submitter. Criteria: Invitae Variant Classification Sherloc (09022015). Collection method: clinical testing. Allele origin: germline.